The following is an entry in ClinVar:

ClinVar aggregate classification (germline): Conflicting classifications of pathogenicity. Review status: criteria provided, conflicting classifications (1 of 4 stars). 10 submissions from 8 submitters: Uncertain significance (6); Likely benign (2). 2 of the submissions do not count toward it. Last evaluated 2023-12-18.

Conditions:
Autoinflammatory syndrome. Identifiers: Orphanet 93665, MedGen C3890737, MONDO:0019751.
Acute febrile neutrophilic dermatosis (AFND). Also called: Gomm Button disease; Sweet Syndrome. Identifiers: Orphanet 3243, MedGen C0085077, MONDO:0011959, OMIM 608068.
Familial Mediterranean fever (FMF). Also called: POLYSEROSITIS, FAMILIAL PAROXYSMAL; POLYSEROSITIS, RECURRENT; Periodic peritonitis; Benign paroxysmal peritonitis. Identifiers: Orphanet 342, MedGen C0031069, MONDO:0018088, OMIM 249100. Disease mechanism: gain of function.
Familial Mediterranean fever, autosomal dominant. Also called: FMF, AUTOSOMAL DOMINANT; Dominant Familial Mediterranean Fever. Identifiers: Orphanet 342, MedGen C1851347, MONDO:0007601, OMIM 134610.

Allele frequency attached by ClinVar (database versions not stated): gnomAD exomes 0.00001 and 0.00002; TOPMed 0.00001; gnomAD 0.00001; ExAC 0.00001.
gnomAD v4.1: 21 of 1,613,936 alleles (0.0013%); highest among the groups gnomAD compares: Non-Finnish European, 0.0017%; no homozygotes.

Submissions (10):

Women's Health and Genetics/Laboratory Corporation of America, LabCorp
Classification: Uncertain significance. Last evaluated: 2023-12-18. Review status: criteria provided, single submitter. Criteria: LabCorp Variant Classification Summary - May 2015. Collection method: clinical testing. Allele origin: germline.
Comment: Variant summary: MEFV c.1744A>C (p.Met582Leu) results in a conservative amino acid change located in the B30.2/SPRY domain (IPR001870) of the encoded protein sequence. Five of five in-silico tools predict a benign effect of the variant on protein function. The variant allele was found at a frequency of 1.6e-05 in 251428 control chromosomes. The available data on variant occurrences in the general population are insufficient to allow any conclusion about variant significance. c.1744A>C has been reported in the literature as a single heterozygous change in one individual affected with AntiCitrullinated Protein Antibody Negative Palindromic Rheumatism (example, Canete_2007), without strong evidence for causality. These report(s) do not provide unequivocal conclusions about association of the variant with Familial Mediterranean Fever. To our knowledge, no experimental evidence demonstrating an impact on protein function has been reported. The following publication have been ascertained in the context of this evaluation (PMID: 17665427). Seven submitters have cited clinical-significance assessments for this variant to ClinVar after 2014 (VUS, n=6, Likely benign, n=1). Based on the evidence outlined above, the variant was classified as uncertain significance.

Genome-Nilou Lab
Classification: Uncertain significance for Familial Mediterranean fever. Last evaluated: 2023-02-08. Review status: criteria provided, single submitter. Criteria: ACMG Guidelines, 2015. Collection method: clinical testing. Allele origin: germline.

Genome-Nilou Lab
Classification: Likely benign for Familial Mediterranean fever, autosomal dominant. Last evaluated: 2023-02-08. Review status: criteria provided, single submitter. Criteria: ACMG Guidelines, 2015. Collection method: clinical testing. Allele origin: germline.

Genome-Nilou Lab
Classification: Likely benign for Acute febrile neutrophilic dermatosis. Last evaluated: 2023-02-08. Review status: criteria provided, single submitter. Criteria: ACMG Guidelines, 2015. Collection method: clinical testing. Allele origin: germline.

Labcorp Genetics (formerly Invitae), Labcorp
Classification: Uncertain significance for Familial Mediterranean fever. Last evaluated: 2022-08-19. Review status: criteria provided, single submitter. Criteria: Invitae Variant Classification Sherloc (09022015). Collection method: clinical testing. Allele origin: germline.
Comment: This sequence change replaces methionine, which is neutral and non-polar, with leucine, which is neutral and non-polar, at codon 582 of the MEFV protein (p.Met582Leu). This variant is present in population databases (rs104895165, gnomAD 0.003%). This missense change has been observed in individual(s) with palindromic rheumatism (PMID: 17665427). ClinVar contains an entry for this variant (Variation ID: 97456). Algorithms developed to predict the effect of missense changes on protein structure and function output the following: SIFT: "Tolerated"; PolyPhen-2: "Benign"; Align-GVGD: "Class C0". The leucine amino acid residue is found in multiple mammalian species, which suggests that this missense change does not adversely affect protein function. In summary, the available evidence is currently insufficient to determine the role of this variant in disease. Therefore, it has been classified as a Variant of Uncertain Significance.

Fulgent Genetics
Classification: Uncertain significance for Familial Mediterranean fever, autosomal dominant; Familial Mediterranean fever; Acute febrile neutrophilic dermatosis. Last evaluated: 2022-04-19. Review status: criteria provided, single submitter. Criteria: ACMG Guidelines, 2015. Collection method: clinical testing. Allele origin: unknown.

Genome Diagnostics Laboratory, The Hospital for Sick Children
Classification: Uncertain significance for Autoinflammatory syndrome. Last evaluated: 2021-04-13. Review status: criteria provided, single submitter. Criteria: ACMG Guidelines, 2015. Collection method: clinical testing. Allele origin: germline. Affected: yes.

Mendelics
Classification: Uncertain significance for Familial Mediterranean fever. Last evaluated: 2019-05-28. Review status: criteria provided, single submitter. Criteria: Mendelics Assertion Criteria 2017. Collection method: clinical testing. Allele origin: unknown.

Natera, Inc.
Classification: Uncertain significance for Familial Mediterranean fever. Last evaluated: 2021-06-29. Review status: no assertion criteria provided. Collection method: clinical testing. Allele origin: germline. Not counted in ClinVar's aggregate classification.

Unité médicale des maladies autoinflammatoires, CHRU Montpellier
No classification provided. Condition: Familial Mediterranean fever. Review status: no classification provided. Collection method: not provided. Allele origin: unknown. Not counted in ClinVar's aggregate classification.

Literature cited by the submitters: PubMed 17665427 (cited by Women's Health and Genetics/Laboratory Corporation of America, LabCorp and Labcorp Genetics (formerly Invitae), Labcorp).

NM_000243.3(MEFV):c.1744A>C (p.Met582Leu)

Genes: MEFV (MEFV innate immunity regulator, pyrin; minus strand), LOC126862264 (CDK7 strongly-dependent group 2 enhancer GRCh37_chr16:3293322-3294521; plus strand). Cytogenetic location: 16p13.3.
Variant type: single nucleotide variant.
Coding change: c.1744A>C on transcript NM_000243.3 (MANE Select); coding-DNA position 1744, A replaced by C.
Protein change: p.Met582Leu; replaces methionine 582 with leucine.
Molecular consequence: missense variant.
Genome position (GRCh38, 1-based): chr16:3,244,269, T>G on the plus strand (A>C on the coding strand, the complement: MEFV is on the minus strand). VCF-style: chr16-3244269-T-G. GRCh37 (hg19) VCF-style: chr16-3294269-T-G.
Other names: c.1111A>C, p.Met371Leu (NM_001198536.2); short protein forms M582L, M371L.
Identifiers: ClinVar variation 97456 (VCV000097456.16), dbSNP rs104895165, ClinGen allele CA280431.
Genomic context (GRCh38, chr16:3,244,269, plus strand): 5'-CTGCAACAACCCCAGGCCAGCACACACCATTACCGCTGGACTCACCATTGAACATTTCCA[T>G]TTCTGAACGCAGGGTTTCTAAAATGTGGGAAAGGGAGCAGAGAGAAGCTGGAGTTAGGTC-3'
Protein context (NP_000234.1, residues 572-592): KYFSETLRSE[Met582Leu]EMFNVPELIG